The following is an entry in ClinVar:

ClinVar aggregate classification (germline): Uncertain significance. Review status: criteria provided, multiple submitters, no conflicts (2 of 4 stars). 2 submissions from 2 submitters: Uncertain significance (2). Last evaluated 2025-10-13.

Conditions:
CRB1-related disorder. Also called: CRB1-related condition; CRB1-related disorders.
Retinitis pigmentosa 12 (RP12). Also called: RP WITH OR WITHOUT PRESERVED PARAARTERIOLE RETINAL PIGMENT EPITHELIUM; RETINITIS PIGMENTOSA WITH OR WITHOUT PARAARTERIOLAR PRESERVATION OF RETINAL PIGMENT EPITHELIUM; RP WITH OR WITHOUT PPRPE. Identifiers: Orphanet 791, MedGen C1838647, MONDO:0010818, OMIM 600105.
Leber congenital amaurosis 8 (LCA8). Identifiers: Orphanet 65, MedGen C3151202, MONDO:0013453, OMIM 613835.

Allele frequency attached by ClinVar (database versions not stated): gnomAD 0.00005; gnomAD exomes below 0.00001; ExAC 0.00002; TOPMed 0.00003.
gnomAD v4.1: 9 of 1,613,762 alleles (0.00056%); highest among the groups gnomAD compares: African/African-American, 0.012%; no homozygotes.

Submissions (2):

PreventionGenetics, part of Exact Sciences
Classification: Uncertain significance for CRB1-related condition. Last evaluated: 2025-10-13. Review status: criteria provided, single submitter. Criteria: ACMG Guidelines, 2015. Collection method: clinical testing. Allele origin: germline.
Comment: The CRB1 c.3398T>C variant is predicted to result in the amino acid substitution p.Val1133Ala. To our knowledge, this variant has not been reported in the literature. This variant is reported in 0.024% of alleles in individuals of African descent in gnomAD. At this time, the clinical significance of this variant is uncertain due to the absence of conclusive functional and genetic evidence.

Labcorp Genetics (formerly Invitae), Labcorp
Classification: Uncertain significance for Leber congenital amaurosis 8; Retinitis pigmentosa 12. Last evaluated: 2022-07-06. Review status: criteria provided, single submitter. Criteria: Invitae Variant Classification Sherloc (09022015). Collection method: clinical testing. Allele origin: germline.
Comment: This sequence change replaces valine, which is neutral and non-polar, with alanine, which is neutral and non-polar, at codon 1133 of the CRB1 protein (p.Val1133Ala). This variant is present in population databases (rs767048382, gnomAD 0.02%). This variant has not been reported in the literature in individuals affected with CRB1-related conditions. Advanced modeling of protein sequence and biophysical properties (such as structural, functional, and spatial information, amino acid conservation, physicochemical variation, residue mobility, and thermodynamic stability) performed at Invitae indicates that this missense variant is not expected to disrupt CRB1 protein function. In summary, the available evidence is currently insufficient to determine the role of this variant in disease. Therefore, it has been classified as a Variant of Uncertain Significance.

NM_201253.3(CRB1):c.3398T>C (p.Val1133Ala)

Gene: CRB1 (crumbs cell polarity complex component 1; plus strand). Cytogenetic location: 1q31.3.
Variant type: single nucleotide variant.
Coding change: c.3398T>C on transcript NM_201253.3 (MANE Select); coding-DNA position 3398, T replaced by C.
Protein change: p.Val1133Ala; replaces valine 1133 with alanine.
Molecular consequence: missense variant. On other transcripts: non-coding transcript variant (2), intron variant (1).
Genome position (GRCh38, 1-based): chr1:197,435,261, T>C. VCF-style: chr1-197435261-T-C. GRCh37 (hg19) VCF-style: chr1-197404391-T-C.
Other names: c.3062T>C, p.Val1021Ala (NM_001193640.2); c.3326T>C, p.Val1109Ala (NM_001257965.2); c.2129-339T>C (NM_001257966.2); c.3398T>C (NM_201253.2); short protein forms V1109A, V1021A, V1133A.
Identifiers: ClinVar variation 2161311 (VCV002161311.2), dbSNP rs767048382, ClinGen allele CA1312329.
Genomic context (GRCh38, chr1:197,435,261, plus strand): 5'-TTCATGGTTTCATTAATAAACCTCAGGAAGAGCAATTTCTCAAAATCTCTACCAATTCAG[T>C]GGTCACTGGCTGTTTGCAGTTAAATGTCTGCAACTCCAACCCCTGTTTGCATGGAGGAAA-3'
Protein context (NP_957705.1, residues 1123-1143): EQFLKISTNS[Val1133Ala]VTGCLQLNVC